The following is an entry in ClinVar:

NM_002180.3(IGHMBP2):c.2531C>T (p.Ala844Val)

Gene: IGHMBP2 (immunoglobulin mu DNA binding protein 2; plus strand). Cytogenetic location: 11q13.3.
Variant type: single nucleotide variant.
Coding change: c.2531C>T on transcript NM_002180.3 (MANE Select); coding-DNA position 2531, C replaced by T.
Protein change: p.Ala844Val; replaces alanine 844 with valine.
Molecular consequence: missense variant.
Genome position (GRCh38, 1-based): chr11:68,937,011, C>T. VCF-style: chr11-68937011-C-T. GRCh37 (hg19) VCF-style: chr11-68704479-C-T.
Other names: short protein forms A844V.
Identifiers: ClinVar variation 657026 (VCV000657026.10), dbSNP rs371546836, ClinGen allele CA6153929.

ClinVar aggregate classification (germline): Uncertain significance (1 of 4 stars; one submission).

Conditions:
Charcot-Marie-Tooth disease axonal type 2S. Also called: CHARCOT-MARIE-TOOTH NEUROPATHY, TYPE 2S; CHARCOT-MARIE-TOOTH DISEASE, AXONAL, AUTOSOMAL RECESSIVE, TYPE 2S. Identifiers: Orphanet 443073, MedGen C4015349, MONDO:0014511, OMIM 616155.
Autosomal recessive distal spinal muscular atrophy 1. Also called: SEVERE INFANTILE AXONAL NEUROPATHY WITH RESPIRATORY FAILURE; SPINAL MUSCULAR ATROPHY, DIAPHRAGMATIC; Spinal muscular atrophy with respiratory distress 1; HMN VI; NEURONOPATHY, DISTAL HEREDITARY MOTOR, HARDING TYPE VI; NEUROPATHY, DISTAL HEREDITARY MOTOR, AUTOSOMAL RECESSIVE 1. Identifiers: Orphanet 98920, MedGen C1858517, MONDO:0011436, OMIM 604320.

Allele frequency attached by ClinVar (database versions not stated): ExAC 0.00001; TOPMed 0.00002; 1000 Genomes Project 30x 0.00016; 1000 Genomes Project 0.00020; gnomAD exomes 0.00003 and 0.00002; gnomAD 0.00004 and 0.00005.

Submission:

Labcorp Genetics (formerly Invitae), Labcorp
Classification: Uncertain significance for Autosomal recessive distal spinal muscular atrophy 1; Charcot-Marie-Tooth disease axonal type 2S. Last evaluated: 2024-02-12. Review status: criteria provided, single submitter. Criteria: Invitae Variant Classification Sherloc (09022015). Collection method: clinical testing. Allele origin: germline.
Comment: This sequence change replaces alanine, which is neutral and non-polar, with valine, which is neutral and non-polar, at codon 844 of the IGHMBP2 protein (p.Ala844Val). This variant is present in population databases (rs371546836, gnomAD 0.01%). This variant has not been reported in the literature in individuals affected with IGHMBP2-related conditions. ClinVar contains an entry for this variant (Variation ID: 657026). Advanced modeling of protein sequence and biophysical properties (such as structural, functional, and spatial information, amino acid conservation, physicochemical variation, residue mobility, and thermodynamic stability) performed at Invitae indicates that this missense variant is not expected to disrupt IGHMBP2 protein function with a negative predictive value of 95%. In summary, the available evidence is currently insufficient to determine the role of this variant in disease. Therefore, it has been classified as a Variant of Uncertain Significance.